The following is an entry in ClinVar:

ClinVar aggregate classification (germline): Uncertain significance. Review status: criteria provided, multiple submitters, no conflicts (2 of 4 stars). 2 submissions from 2 submitters: Uncertain significance (2). Last evaluated 2025-10-05.

Conditions:
Cardiovascular phenotype. Identifiers: MedGen CN230736.
Sitosterolemia (STSL). Also called: PHYTOSTEROLEMIA. Identifiers: Orphanet 2882, MedGen C0342907, MONDO:0008863.

gnomAD v4.1: 2 of 1,613,970 alleles (0.00012%); highest among the groups gnomAD compares: African/African-American, 0.0027%; no homozygotes.

Submissions (2):

Ambry Genetics
Classification: Uncertain significance for Cardiovascular phenotype. Last evaluated: 2025-10-05. Review status: criteria provided, single submitter. Criteria: Ambry Variant Classification Scheme 2023. Collection method: clinical testing. Allele origin: germline.
Comment: The p.D455E variant (also known as c.1365C>A), located in coding exon 10 of the ABCG5 gene, results from a C to A substitution at nucleotide position 1365. The aspartic acid at codon 455 is replaced by glutamic acid, an amino acid with highly similar properties. This amino acid position is conserved. In addition, the in silico prediction for this alteration is inconclusive. Since supporting evidence is limited at this time, the clinical significance of this alteration remains unclear.

Labcorp Genetics (formerly Invitae), Labcorp
Classification: Uncertain significance for Sitosterolemia. Last evaluated: 2022-03-18. Review status: criteria provided, single submitter. Criteria: Invitae Variant Classification Sherloc (09022015). Collection method: clinical testing. Allele origin: germline.
Comment: This sequence change replaces aspartic acid, which is acidic and polar, with glutamic acid, which is acidic and polar, at codon 455 of the ABCG5 protein (p.Asp455Glu). This variant is present in population databases (no rsID available, gnomAD 0.007%). In summary, the available evidence is currently insufficient to determine the role of this variant in disease. Therefore, it has been classified as a Variant of Uncertain Significance. Algorithms developed to predict the effect of missense changes on protein structure and function are either unavailable or do not agree on the potential impact of this missense change (SIFT: "Deleterious"; PolyPhen-2: "Probably Damaging"; Align-GVGD: "Class C0"). This variant has not been reported in the literature in individuals affected with ABCG5-related conditions.

NM_022436.3(ABCG5):c.1365C>A (p.Asp455Glu)

Genes: ABCG5 (ATP binding cassette subfamily G member 5; minus strand), DYNC2LI1 (dynein cytoplasmic 2 light intermediate chain 1; plus strand). Cytogenetic location: 2p21.
Variant type: single nucleotide variant.
Coding change: c.1365C>A on transcript NM_022436.3 (MANE Select); coding-DNA position 1365, C replaced by A.
Protein change: p.Asp455Glu; replaces aspartic acid 455 with glutamic acid.
Molecular consequence: missense variant. On other transcripts: intron variant (2).
Genome position (GRCh38, 1-based): chr2:43,822,895, G>T on the plus strand (C>A on the coding strand, the complement: ABCG5 is on the minus strand). VCF-style: chr2-43822895-G-T. GRCh37 (hg19) VCF-style: chr2-44050034-G-T.
Other names: c.*16-4491G>T (NM_001348913.2, NM_001348912.2); short protein forms D455E.
Identifiers: ClinVar variation 2146331 (VCV002146331.4), dbSNP rs141016088, ClinGen allele CA46461462.